The following is an entry in ClinVar:

NM_144643.4(SCLT1):c.1114G>A (p.Val372Ile)

Gene: SCLT1 (sodium channel and clathrin linker 1; minus strand). Cytogenetic location: 4q28.2.
Variant type: single nucleotide variant.
Coding change: c.1114G>A on transcript NM_144643.4 (MANE Select); coding-DNA position 1114, G replaced by A.
Protein change: p.Val372Ile; replaces valine 372 with isoleucine.
Molecular consequence: missense variant.
Genome position (GRCh38, 1-based): chr4:128,957,058, C>T on the plus strand (G>A on the coding strand, the complement: SCLT1 is on the minus strand). VCF-style: chr4-128957058-C-T. GRCh37 (hg19) VCF-style: chr4-129878213-C-T.
Other names: short protein forms V372I.
Identifiers: ClinVar variation 1385795 (VCV001385795.6), dbSNP rs972254254, ClinGen allele CA105729609.

ClinVar aggregate classification (germline): Uncertain significance (1 of 4 stars; one submission).

Allele frequency attached by ClinVar (database versions not stated): gnomAD exomes below 0.00001; TOPMed 0.00001.
gnomAD v4.1: 2 of 1,599,480 alleles (0.00013%); highest among the groups gnomAD compares: Non-Finnish European, 0.00017%; no homozygotes.

Submission:

Labcorp Genetics (formerly Invitae), Labcorp
Classification: Uncertain significance. Last evaluated: 2022-10-04. Review status: criteria provided, single submitter. Criteria: Invitae Variant Classification Sherloc (09022015). Collection method: clinical testing. Allele origin: germline.
Comment: In summary, the available evidence is currently insufficient to determine the role of this variant in disease. Therefore, it has been classified as a Variant of Uncertain Significance. Algorithms developed to predict the effect of missense changes on protein structure and function output the following: SIFT: "Tolerated"; PolyPhen-2: "Benign"; Align-GVGD: "Class C0". The isoleucine amino acid residue is found in multiple mammalian species, which suggests that this missense change does not adversely affect protein function. ClinVar contains an entry for this variant (Variation ID: 1385795). This variant has not been reported in the literature in individuals affected with SCLT1-related conditions. This variant is not present in population databases (gnomAD no frequency). This sequence change replaces valine, which is neutral and non-polar, with isoleucine, which is neutral and non-polar, at codon 372 of the SCLT1 protein (p.Val372Ile).